The following is an entry in ClinVar:

ClinVar aggregate classification (germline): Uncertain significance (1 of 4 stars; one submission).

Conditions:
Hereditary cancer-predisposing syndrome. Also called: Tumor predisposition; Neoplastic Syndromes, Hereditary; Hereditary neoplastic syndrome; Hereditary Cancer Syndrome. Identifiers: Orphanet 140162, MedGen C0027672, MeSH D009386, MONDO:0015356.

Submission:

Color Diagnostics, LLC DBA Color Health
Classification: Uncertain significance for Hereditary cancer-predisposing syndrome. Last evaluated: 2023-12-05. Review status: criteria provided, single submitter. Criteria: ACMG Guidelines, 2015. Collection method: clinical testing. Allele origin: germline.
Comment: This missense variant replaces glycine with serine at codon 23 of the CHEK2 protein. Computational prediction suggests that this variant may not impact protein structure and function (internally defined REVEL score threshold <= 0.5, PMID: 27666373). To our knowledge, functional studies have not been reported for this variant. This variant has not been reported in individuals affected with CHEK2-related disorders in the literature. This variant has not been identified in the general population by the Genome Aggregation Database (gnomAD). The available evidence is insufficient to determine the role of this variant in disease conclusively. Therefore, this variant is classified as a Variant of Uncertain Significance.

NM_007194.4(CHEK2):c.67G>A (p.Gly23Ser)

Gene: CHEK2 (checkpoint kinase 2; minus strand). Cytogenetic location: 22q12.1.
Variant type: single nucleotide variant.
Coding change: c.67G>A on transcript NM_007194.4 (MANE Select); coding-DNA position 67, G replaced by A.
Protein change: p.Gly23Ser; replaces glycine 23 with serine.
Molecular consequence: missense variant.
Genome position (GRCh38, 1-based): chr22:28,734,655, C>T on the plus strand (G>A on the coding strand, the complement: CHEK2 is on the minus strand). VCF-style: chr22-28734655-C-T. GRCh37 (hg19) VCF-style: chr22-29130643-C-T.
Other names: c.67G>A, p.Gly23Ser (NM_001005735.3, NM_001349956.3, NM_145862.3); c.-711G>A (NM_001257387.3); short protein forms G23S.
Identifiers: ClinVar variation 631447 (VCV000631447.4), dbSNP rs1569171589, ClinGen allele CA411091737.